The following is an entry in ClinVar:

ClinVar aggregate classification (germline): Uncertain significance. Review status: criteria provided, multiple submitters, no conflicts (2 of 4 stars). 3 submissions from 3 submitters: Uncertain significance (3). Last evaluated 2025-08-08.

Conditions:
Hereditary cancer-predisposing syndrome. Also called: Hereditary neoplastic syndrome; Neoplastic Syndromes, Hereditary; Tumor predisposition; Hereditary Cancer Syndrome. Identifiers: Orphanet 140162, MedGen C0027672, MeSH D009386, MONDO:0015356.

Allele frequency attached by ClinVar (database versions not stated): gnomAD exomes below 0.00001; ExAC 0.00001; gnomAD 0.00001.
gnomAD v4.1: 2 of 1,614,104 alleles (0.00012%); highest among the groups gnomAD compares: Non-Finnish European, 0.00017%; no homozygotes.

Submissions (3):

Ambry Genetics
Classification: Uncertain significance for Hereditary cancer-predisposing syndrome. Last evaluated: 2025-08-08. Review status: criteria provided, single submitter. Criteria: Ambry Variant Classification Scheme 2023. Collection method: clinical testing. Allele origin: germline.
Comment: The p.E1459Q variant (also known as c.4375G>C), located in coding exon 34 of the POLE gene, results from a G to C substitution at nucleotide position 4375. The glutamic acid at codon 1459 is replaced by glutamine, an amino acid with highly similar properties. This amino acid position is conserved. In addition, this alteration is predicted to be tolerated by in silico analysis. Since supporting evidence is limited at this time, the clinical significance of this alteration remains unclear.

Labcorp Genetics (formerly Invitae), Labcorp
Classification: Uncertain significance. Last evaluated: 2022-08-31. Review status: criteria provided, single submitter. Criteria: Invitae Variant Classification Sherloc (09022015). Collection method: clinical testing. Allele origin: germline.
Comment: In summary, the available evidence is currently insufficient to determine the role of this variant in disease. Therefore, it has been classified as a Variant of Uncertain Significance. Algorithms developed to predict the effect of missense changes on protein structure and function (SIFT, PolyPhen-2, Align-GVGD) all suggest that this variant is likely to be tolerated. ClinVar contains an entry for this variant (Variation ID: 1320672). This variant has not been reported in the literature in individuals affected with POLE-related conditions. This variant is present in population databases (rs778238908, gnomAD 0.0009%). This sequence change replaces glutamic acid, which is acidic and polar, with glutamine, which is neutral and polar, at codon 1459 of the POLE protein (p.Glu1459Gln).

GeneDx
Classification: Uncertain significance. Last evaluated: 2021-05-06. Review status: criteria provided, single submitter. Criteria: GeneDx Variant Classification Process June 2021. Collection method: clinical testing. Allele origin: germline. Affected: yes.
Comment: Has not been previously published as pathogenic or benign to our knowledge; Not observed at a significant frequency in large population cohorts (Lek 2016); In silico analysis supports that this missense variant does not alter protein structure/function

NM_006231.4(POLE):c.4375G>C (p.Glu1459Gln)

Gene: POLE (DNA polymerase epsilon, catalytic subunit; minus strand). Cytogenetic location: 12q24.33.
Variant type: single nucleotide variant.
Coding change: c.4375G>C on transcript NM_006231.4 (MANE Select); coding-DNA position 4375, G replaced by C.
Protein change: p.Glu1459Gln; replaces glutamic acid 1459 with glutamine.
Molecular consequence: missense variant.
Genome position (GRCh38, 1-based): chr12:132,643,476, C>G on the plus strand (G>C on the coding strand, the complement: POLE is on the minus strand). VCF-style: chr12-132643476-C-G. GRCh37 (hg19) VCF-style: chr12-133220062-C-G.
Other names: short protein forms E1459Q.
Identifiers: ClinVar variation 1320672 (VCV001320672.12), dbSNP rs778238908, ClinGen allele CA6892870.
Genomic context (GRCh38, chr12:132,643,476, plus strand): 5'-GGTAGCTGAACTGGGCCAGAGAGCGCATCTCCAGGTGCTCAAGAGCAAAGGTCTCTGCTT[C>G]CCAGCCTGAAAGGTGCCTCACCAGCTGTTTATTGACCACACACACACAGCCCAGGTGCAC-3'
Protein context (NP_006222.2, residues 1449-1469): KQLVRHLSGW[Glu1459Gln]AETFALEHLE